The following is an entry in ClinVar:

ClinVar aggregate classification (germline): Uncertain significance. Review status: criteria provided, multiple submitters, no conflicts (2 of 4 stars). 2 submissions from 2 submitters: Uncertain significance (2). Last evaluated 2024-04-08.

Allele frequency attached by ClinVar (database versions not stated): gnomAD exomes 0.00001.

Submissions (2):

GeneDx
Classification: Uncertain significance. Last evaluated: 2024-04-08. Review status: criteria provided, single submitter. Criteria: GeneDx Variant Classification Process June 2021. Collection method: clinical testing. Allele origin: germline. Affected: yes.
Comment: In silico analysis indicates that this missense variant does not alter protein structure/function; Has not been previously published as pathogenic or benign to our knowledge

Labcorp Genetics (formerly Invitae), Labcorp
Classification: Uncertain significance. Last evaluated: 2023-07-12. Review status: criteria provided, single submitter. Criteria: Invitae Variant Classification Sherloc (09022015). Collection method: clinical testing. Allele origin: germline.
Comment: This sequence change replaces glycine, which is neutral and non-polar, with arginine, which is basic and polar, at codon 1664 of the APC2 protein (p.Gly1664Arg). In summary, the available evidence is currently insufficient to determine the role of this variant in disease. Therefore, it has been classified as a Variant of Uncertain Significance. An algorithm developed to predict the effect of missense changes on protein structure and function (PolyPhen-2) suggests that this variant is likely to be tolerated. This variant has not been reported in the literature in individuals affected with APC2-related conditions. This variant is present in population databases (rs759457239, gnomAD 0.01%).

NM_005883.3(APC2):c.4990G>A (p.Gly1664Arg)

Gene: APC2 (APC regulator of Wnt signaling pathway 2; plus strand). Cytogenetic location: 19p13.3.
Variant type: single nucleotide variant.
Coding change: c.4990G>A on transcript NM_005883.3 (MANE Select); coding-DNA position 4990, G replaced by A.
Protein change: p.Gly1664Arg; replaces glycine 1664 with arginine.
Molecular consequence: missense variant.
Genome position (GRCh38, 1-based): chr19:1,468,291, G>A. VCF-style: chr19-1468291-G-A. GRCh37 (hg19) VCF-style: chr19-1468290-G-A.
Other names: c.4990G>A (NM_005883.2); c.4987G>A, p.Gly1663Arg (NM_001351273.1); short protein forms G1664R, G1663R.
Identifiers: ClinVar variation 2873956 (VCV002873956.4), dbSNP rs759457239, ClinGen allele CA9045944.
Genomic context (GRCh38, chr19:1,468,291, plus strand): 5'-GTGTCTGGCCTGCGGCGCCGCAAGCCCCGAGCCACCCGGCTGGATGAGCGGCCCGCAGAG[G>A]GGTCCCGGGAACGCGGCGAGGAGGCAGCGGGCTCGGACCGGGCCTCCGACCTGGATAGCG-3'
Protein context (NP_005874.1, residues 1654-1674): ATRLDERPAE[Gly1664Arg]SRERGEEAAG